The following is an entry in ClinVar:

NM_001123385.2(BCOR):c.493G>C (p.Ala165Pro)

Genes: BCOR (BCL6 corepressor; minus strand), LOC126863239 (MED14-independent group 3 enhancer GRCh37_chrX:39932994-39934193; plus strand). Cytogenetic location: Xp11.4.
Variant type: single nucleotide variant.
Coding change: c.493G>C on transcript NM_001123385.2 (MANE Select); coding-DNA position 493, G replaced by C.
Protein change: p.Ala165Pro; replaces alanine 165 with proline.
Molecular consequence: missense variant.
Genome position (GRCh38, 1-based): chrX:40,074,853, C>G on the plus strand (G>C on the coding strand, the complement: BCOR is on the minus strand). VCF-style: chrX-40074853-C-G. GRCh37 (hg19) VCF-style: chrX-39934106-C-G.
Other names: c.493G>C, p.Ala165Pro (NM_001123383.2, NM_001123384.2, NM_017745.6); short protein forms A165P.
Identifiers: ClinVar variation 1744266 (VCV001744266.8), dbSNP rs772777080, ClinGen allele CA10387038.

ClinVar aggregate classification (germline): Uncertain significance. Review status: criteria provided, multiple submitters, no conflicts (2 of 4 stars). 3 submissions from 3 submitters: Uncertain significance (3). Last evaluated 2025-09-17.

Conditions:
Oculofaciocardiodental syndrome (MCOPS2). Identifiers: Orphanet 2712, MedGen C1846265, MONDO:0010261, OMIM 300166.
BCOR-related disorder. Also called: BCOR-related disorders; BCOR-related condition.
Inborn genetic diseases. Identifiers: MedGen C0950123, MeSH D030342.

Allele frequency attached by ClinVar (database versions not stated): TOPMed below 0.00001; gnomAD 0.00002; ExAC 0.00005; gnomAD exomes 0.00007.
gnomAD v4.1: 74 of 1,209,501 alleles (0.0061%); highest among the groups gnomAD compares: Non-Finnish European, 0.0082%; no homozygotes.

Submissions (3):

PreventionGenetics, part of Exact Sciences
Classification: Uncertain significance for BCOR-related condition. Last evaluated: 2025-09-17. Review status: criteria provided, single submitter. Criteria: ACMG Guidelines, 2015. Collection method: clinical testing. Allele origin: germline.
Comment: The BCOR c.493G>C variant is predicted to result in the amino acid substitution p.Ala165Pro. This variant has been reported to be maternally inherited an in the hemizygous state in an infant with hydrocephalus (Gershon et al. 2024.). This variant is reported in 0.0086% of alleles in individuals of European (Non-Finnish) descent in gnomAD. At this time, the clinical significance of this variant is uncertain due to the absence of conclusive functional and genetic evidence.

Labcorp Genetics (formerly Invitae), Labcorp
Classification: Uncertain significance for Oculofaciocardiodental syndrome. Last evaluated: 2025-05-19. Review status: criteria provided, single submitter. Criteria: Invitae Variant Classification Sherloc (09022015). Collection method: clinical testing. Allele origin: germline.
Comment: This sequence change replaces alanine, which is neutral and non-polar, with proline, which is neutral and non-polar, at codon 165 of the BCOR protein (p.Ala165Pro). This variant is present in population databases (rs772777080, gnomAD 0.009%). This variant has not been reported in the literature in individuals affected with BCOR-related conditions. ClinVar contains an entry for this variant (Variation ID: 1744266). An algorithm developed to predict the effect of missense changes on protein structure and function (PolyPhen-2) suggests that this variant is likely to be tolerated. In summary, the available evidence is currently insufficient to determine the role of this variant in disease. Therefore, it has been classified as a Variant of Uncertain Significance.

Ambry Genetics
Classification: Uncertain significance for Inborn genetic diseases. Last evaluated: 2016-10-27. Review status: criteria provided, single submitter. Criteria: Ambry Variant Classification Scheme 2023. Collection method: clinical testing. Allele origin: germline.
Comment: The p.A165P variant (also known as c.493G>C), located in coding exon 3 of the BCOR gene, results from a G to C substitution at nucleotide position 493. The alanine at codon 165 is replaced by proline, an amino acid with highly similar properties. This variant was not reported in population based cohorts in the following databases: Database of Single Nucleotide Polymorphisms (dbSNP), NHLBI Exome Sequencing Project (ESP), and 1000 Genomes Project. In the ESP, this variant was not observed in 6502 samples with coverage at this position. This amino acid position is poorly conserved in available vertebrate species. In addition, this alteration is predicted to be tolerated by in silico analysis. Since supporting evidence is limited at this time, the clinical significance of this variant remains unclear.